The following is an entry in ClinVar:

NC_000016.9:g.(89806508_89807211)_(89816311_89818545)del

Genes: FANCA (FA complementation group A; minus strand), ZNF276 (zinc finger protein 276; plus strand). Cytogenetic location: 16q24.3.
Variant type: Deletion.
Identifiers: ClinVar variation 3366549 (VCV003366549.1).

ClinVar aggregate classification (germline): Pathogenic (1 of 4 stars; one submission).

Conditions:
Fanconi anemia (FA). Also called: Fanconi's anemia. Identifiers: Orphanet 84, MedGen C0015625, MeSH D005199, MONDO:0019391.

Submission:

Women's Health and Genetics/Laboratory Corporation of America, LabCorp
Classification: Pathogenic for Fanconi anemia. Last evaluated: 2024-08-28. Review status: criteria provided, single submitter. Criteria: LabCorp Variant Classification Summary - May 2015. Collection method: clinical testing. Allele origin: germline.
Comment: Variant summary: The variant involves the deletion of exons 32-38 in the FANCA gene. A presumed nomenclature of c.(3066+1_3067-1)_(3828+1_3829-1)del has been designated for the purposes of this classification. This Copy Number Variant (CNV) is predicted to result in an in-frame deletion within this gene. The variant was absent in 21694 control chromosomes. c.(3066+1_3067-1)_(3828+1_3829-1)del has been reported in the literature in the homozygous state in at least one individual affected with Fanconi Anemia (Joshi_2023). These data indicate that the variant may be associated with disease. An in frame deletion within the deleted region (p.Phe1263del ClinVar ID 41003) has been determined to be pathogenic, supporting the critical relevance of this region to FANCA protein function. The following publication have been ascertained in the context of this evaluation (PMID: 36894310). No submitters have cited clinical-significance assessments for this variant to ClinVar. Based on the evidence outlined above, the variant was classified as pathogenic.

Literature cited by the submitters: PubMed 36894310.